The following is an entry in ClinVar:

ClinVar aggregate classification (germline): Likely pathogenic (1 of 4 stars; one submission).

Conditions:
Pontocerebellar hypoplasia type 1A (PCH1A). Also called: PONTOCEREBELLAR HYPOPLASIA WITH ANTERIOR HORN CELL DISEASE; PONTOCEREBELLAR HYPOPLASIA WITH INFANTILE SPINAL MUSCULAR ATROPHY. Identifiers: Orphanet 2254, Orphanet 88616, MedGen C1843504, MONDO:0011866, OMIM 607596.

Submission:

Labcorp Genetics (formerly Invitae), Labcorp
Classification: Likely pathogenic for Pontocerebellar hypoplasia type 1A. Last evaluated: 2022-11-29. Review status: criteria provided, single submitter. Criteria: Invitae Variant Classification Sherloc (09022015). Collection method: clinical testing. Allele origin: germline.
Comment: This sequence change affects a donor splice site in intron 9 of the VRK1 gene. It is expected to disrupt RNA splicing. Variants that disrupt the donor or acceptor splice site typically lead to a loss of protein function (PMID: 16199547), and loss-of-function variants in VRK1 are known to be pathogenic (PMID: 19646678, 24126608, 27281532). This variant is not present in population databases (gnomAD no frequency). This variant has not been reported in the literature in individuals affected with VRK1-related conditions. Algorithms developed to predict the effect of sequence changes on RNA splicing suggest that this variant may disrupt the consensus splice site. In summary, the currently available evidence indicates that the variant is pathogenic, but additional data are needed to prove that conclusively. Therefore, this variant has been classified as Likely Pathogenic.

Literature cited by the submitters: PubMed 16199547; PubMed 19646678; PubMed 24126608; PubMed 27281532.

NM_003384.3(VRK1):c.830+1G>C

Gene: VRK1 (VRK serine/threonine kinase 1; plus strand). Cytogenetic location: 14q32.2.
Variant type: single nucleotide variant.
Coding change: c.830+1G>C on transcript NM_003384.3 (MANE Select); the canonical splice donor site of the intron after coding-DNA position 830, G replaced by C.
Molecular consequence: splice donor variant.
Genome position (GRCh38, 1-based): chr14:96,856,251, G>C. VCF-style: chr14-96856251-G-C. GRCh37 (hg19) VCF-style: chr14-97322588-G-C.
Other names: c.830+1G>C (NM_001411051.1, NM_001411053.1).
Identifiers: ClinVar variation 3003169 (VCV003003169.3), dbSNP rs2504194954, ClinGen allele CA390931636.